The following is an entry in ClinVar:

ClinVar aggregate classification (germline): Likely benign (1 of 4 stars; one submission).

Allele frequency attached by ClinVar (database versions not stated): 1000 Genomes Project 0.00180; ESP Exome Variant Server 0.00196; 1000 Genomes Project 30x 0.00219; gnomAD 0.00285; TOPMed 0.00318; gnomAD exomes 0.00370; ExAC 0.00486.
gnomAD v4.1: 5,652 of 1,555,586 alleles (0.36%); highest among the groups gnomAD compares: Non-Finnish European, 0.39%; 17 homozygotes.

Submission:

CeGaT Center for Human Genetics Tuebingen
Classification: Likely benign. Last evaluated: 2023-01-01. Review status: criteria provided, single submitter. Criteria: CeGaT Center For Human Genetics Tuebingen Variant Classification Criteria Version 2. Collection method: clinical testing. Allele origin: germline. Affected: yes. Observed: 1 variant allele.
Comment: BAG4: BS2

NM_004874.4(BAG4):c.73G>A (p.Gly25Ser)

Gene: BAG4 (BAG cochaperone 4; plus strand). Cytogenetic location: 8p11.23.
Variant type: single nucleotide variant.
Coding change: c.73G>A on transcript NM_004874.4 (MANE Select); coding-DNA position 73, G replaced by A.
Protein change: p.Gly25Ser; replaces glycine 25 with serine.
Molecular consequence: missense variant.
Genome position (GRCh38, 1-based): chr8:38,176,942, G>A. VCF-style: chr8-38176942-G-A. GRCh37 (hg19) VCF-style: chr8-38034460-G-A.
Other names: c.73G>A, p.Gly25Ser (NM_001204878.2); short protein forms G25S.
Identifiers: ClinVar variation 2658541 (VCV002658541.24), dbSNP rs61731142, ClinGen allele CA4715565.